The following is an entry in ClinVar:

ClinVar aggregate classification (germline): Pathogenic/Likely pathogenic. Review status: criteria provided, multiple submitters, no conflicts (2 of 4 stars). 14 submissions from 14 submitters: Pathogenic (9); Likely pathogenic (2). 3 of the submissions do not count toward it. Last evaluated 2026-02-01.

Conditions:
Autosomal recessive juvenile Parkinson disease 2. Also called: Parkinson disease autosomal recessive, early onset; Juvenile parkinsonism; Parkinsonism, early onset, with diurnal fluctuation; PRKN-Related Early-Onset Parkinson Disease; PARKINSON DISEASE, JUVENILE, AUTOSOMAL RECESSIVE; Parkinson disease, juvenile, type 2. Identifiers: Orphanet 2828, MedGen C1868675, MONDO:0010820, OMIM 600116.
Ovarian cancer. Also called: OVARIAN CANCER, SOMATIC. Identifiers: Orphanet 213500, MedGen C1140680, MONDO:0008170, OMIM 167000.
Lung cancer. Also called: Malignant tumor of lung; Lung cancer, somatic. Identifiers: MedGen C0242379, MONDO:0008903, OMIM 211980.
PRKN-related disorder. Also called: PRKN-related condition.
PARK2-related disorders.
Young-onset Parkinson disease. Identifiers: Orphanet 2828, MedGen C4275179, MONDO:0017279.
ischemic cerebrovascular diesease.

Allele frequency attached by ClinVar (database versions not stated): gnomAD exomes 0.00006 and 0.00022; ExAC 0.00011; gnomAD 0.00013; TOPMed 0.00013; ESP Exome Variant Server 0.00023.

Submissions 1 to 10 of 14:

CeGaT Center for Human Genetics Tuebingen
Classification: Pathogenic. Last evaluated: 2026-02-01. Review status: criteria provided, single submitter. Criteria: CeGaT Center For Human Genetics Tuebingen Variant Classification Criteria Version 2. Collection method: clinical testing. Allele origin: germline. Affected: yes. Observed: 3 variant alleles.
Comment: PRKN: PM3:Very Strong, PS3, PM2

Women's Health and Genetics/Laboratory Corporation of America, LabCorp
Classification: Pathogenic for Autosomal recessive juvenile Parkinson disease 2. Last evaluated: 2025-05-05. Review status: criteria provided, single submitter. Criteria: LabCorp Variant Classification Summary - May 2015. Collection method: clinical testing. Allele origin: germline.
Comment: Variant summary: PRKN c.1289G>A (p.Gly430Asp) results in a non-conservative amino acid change in the encoded protein sequence. Algorithms developed to predict the effect of missense changes on protein structure and function all suggest that this variant is likely to be disruptive. The variant allele was found at a frequency of 6.8e-05 in 280080 control chromosomes. This frequency is not significantly higher than estimated for a pathogenic variant in PRKN causing Autosomal Recessive Juvenile Parkinson Disease 2, allowing no conclusion about variant significance. c.1289G>A has been observed in multiple individuals affected with Autosomal Recessive Juvenile Parkinson Disease 2 (example: Keogh_2016, Periquet_2001, Khan_2003). These data indicate that the variant is very likely to be associated with disease. The following publications have been ascertained in the context of this evaluation (PMID: 11179010, 26836416, 12764051). ClinVar contains an entry for this variant (Variation ID: 356016). Based on the evidence outlined above, the variant was classified as pathogenic.

Labcorp Genetics (formerly Invitae), Labcorp
Classification: Pathogenic. Last evaluated: 2025-02-04. Review status: criteria provided, single submitter. Criteria: Invitae Variant Classification Sherloc (09022015). Collection method: clinical testing. Allele origin: germline.
Comment: This sequence change replaces glycine, which is neutral and non-polar, with aspartic acid, which is acidic and polar, at codon 430 of the PRKN protein (p.Gly430Asp). This variant is present in population databases (rs191486604, gnomAD 0.01%). This missense change has been observed in individuals with early-onset Parkinson's disease (PMID: 11179010, 12764051, 15090472, 18486522). It has also been observed to segregate with disease in related individuals. This variant is also known as 1390G>A. ClinVar contains an entry for this variant (Variation ID: 356016). Invitae Evidence Modeling of protein sequence and biophysical properties (such as structural, functional, and spatial information, amino acid conservation, physicochemical variation, residue mobility, and thermodynamic stability) indicates that this missense variant is expected to disrupt PRKN protein function with a positive predictive value of 80%. Experimental studies have shown that this missense change affects PRKN function (PMID: 16049031, 16339143, 20404107, 20604804, 20798600, 23751051). For these reasons, this variant has been classified as Pathogenic.

Blueprint Genetics
Classification: Pathogenic for PARK2-related disorders. Last evaluated: 2024-09-25. Review status: criteria provided, single submitter. Criteria: ACMG Guidelines, 2015. Collection method: clinical testing. Allele origin: germline. Affected: yes. Observed: 5 variant alleles.

Molecular Genetics, Royal Melbourne Hospital
Classification: Pathogenic for Autosomal recessive juvenile Parkinson disease 2. Last evaluated: 2024-09-08. Review status: criteria provided, single submitter. Criteria: ACMG Guidelines, 2015. Collection method: clinical testing. Allele origin: germline. Inheritance: Autosomal recessive inheritance. Affected: yes.
Comment: This sequence change in PRKN is predicted to replace glycine with aspartic acid at codon 430, p.(Gly430Asp). The Gly430 residue is highly conserved (100 vertebrates, Multiz Alignments), and is located in the RING2 annotated domain. There is a moderate physicochemical difference between glycine and aspartic acid. The highest population minor allele frequency in the population database gnomAD v4.1 is 0.03% (328/1,178,586 alleles) in the European (non-Finnish) population, consistent with recessive disease. This variant has been detected as homozygous and compound heterozygous in multiple individuals with early-onset Parkinson disease and segregates with disease in multiple families (PMID: 18486522, 20558392, 31324919). Functional studies with limited validation assaying cellular mitophagy are supportive of a damaging effect on protein function (PMID: 20098416). Computational evidence predicts a deleterious effect for the missense substitution (REVEL = 0.96) and predicts no impact on splicing (SpliceAI) for the nucleotide change. Based on the classification scheme RMH Modified ACMG/AMP Guidelines v1.7.0, this variant is classified as PATHOGENIC. Following criteria are met: PM3_Strong, PP1_Moderate, PP3_Moderate, PM2_Supporting, PS3_Supporting.

Fulgent Genetics
Classification: Pathogenic for Ovarian cancer; Lung cancer; Autosomal recessive juvenile Parkinson disease 2. Last evaluated: 2024-05-08. Review status: criteria provided, single submitter. Criteria: ACMG Guidelines, 2015. Collection method: clinical testing. Allele origin: germline.

Mayo Clinic Laboratories, Mayo Clinic
Classification: Pathogenic. Last evaluated: 2023-06-22. Review status: criteria provided, single submitter. Criteria: ACMG Guidelines, 2015. Collection method: clinical testing. Allele origin: germline. Observed: 2 variant alleles.
Comment: PP3, PM1, PM2, PS3, PS4_moderate

AiLife Diagnostics
Classification: Pathogenic. Last evaluated: 2022-03-29. Review status: criteria provided, single submitter. Criteria: ACMG Guidelines, 2015. Collection method: clinical testing. Allele origin: germline. Affected: yes. Observed: 1 variant allele.

Athena Diagnostics
Classification: Pathogenic. Last evaluated: 2018-10-26. Review status: criteria provided, single submitter. Criteria: Athena Diagnostics Criteria. Collection method: clinical testing. Allele origin: germline.
Comment: The best available variant frequency is uninformative because it is below the disease allele frequency. Found in at least one symptomatic patient. Predicted to have a damaging effect on the protein. Located in potentially critical domain of the protein. Occurs in three or more cases with a recessive pathogenic variant in the same gene. Damaging to protein function(s) relevant to disease mechanism.

Illumina Laboratory Services, Illumina
Classification: Likely pathogenic for Autosomal recessive juvenile Parkinson disease 2. Last evaluated: 2017-04-28. Review status: criteria provided, single submitter. Criteria: ICSL Variant Classification Criteria 09 May 2019. Collection method: clinical testing. Allele origin: germline.
Comment: The PARK2 c.1289G>A (p.Gly430Asp) missense variant has been reported in at least four studies in which it was found in a total of five individuals with Parkinson disease with onset of disease under the age of 40 years, including one who was homozygous for the variant and four who were compound heterozygous (Scherfler et al. 2004; Mellick et al. 2009; Haylett et al. 2012; Angeli et al. 2013). The p.Gly430Asp variant was absent from 212 ethnically-matched control chromosomes but is reported at a frequency of 0.00035 in the European American population of the Exome Sequencing Project. Fiesel et al. (2015) demonstrated through molecular dynamic simulations that the p.Gly430Asp variant alters the active site of the enzyme through the introduction of a negative charge. In addition, the in vitro E3 ligase activity of the variant protein on a model substrate was reduced and mitochondrial relocalization was hampered in cells transfected with variant PARK2, as compared to wild type (Sriram et al. 2005; Okatsu et al. 2010; Fiesel et al. 2015). Based on the collective evidence, the p.Gly430Asp variant is classified as pathogenic for the juvenile form of Parkinson disease. This variant was observed by ICSL as part of a predisposition screen in an ostensibly healthy population.

NM_004562.3(PRKN):c.1289G>A (p.Gly430Asp)

Gene: PRKN (parkin RBR E3 ubiquitin protein ligase; minus strand). Cytogenetic location: 6q26.
Variant type: single nucleotide variant.
Coding change: c.1289G>A on transcript NM_004562.3 (MANE Select); coding-DNA position 1289, G replaced by A.
Protein change: p.Gly430Asp; replaces glycine 430 with aspartic acid.
Molecular consequence: missense variant.
Genome position (GRCh38, 1-based): chr6:161,350,208, C>T on the plus strand (G>A on the coding strand, the complement: PRKN is on the minus strand). VCF-style: chr6-161350208-C-T. GRCh37 (hg19) VCF-style: chr6-161771240-C-T.
Other names: c.1205G>A, p.Gly402Asp (NM_013987.3); c.842G>A, p.Gly281Asp (NM_013988.3); short protein forms G430D, G281D, G402D.
Identifiers: ClinVar variation 356016 (VCV000356016.47), dbSNP rs191486604, ClinGen allele CA4089945.